The following is an entry in ClinVar:

ClinVar aggregate classification (germline): Uncertain significance (1 of 4 stars; one submission).

Conditions:
Autosomal recessive limb-girdle muscular dystrophy type 2W (MDRCMTT). Also called: Muscular dystrophy, limb-girdle, type 2W; Muscular dystrophy, autosomal recessive, with cardiomyopathy and triangular tongue. Identifiers: MedGen C4225192, MONDO:0014788, OMIM 616827.

Allele frequency attached by ClinVar (database versions not stated): gnomAD exomes below 0.00001.
gnomAD v4.1: 1 of 1,614,098 alleles (0.000062%); highest among the groups gnomAD compares: Non-Finnish European, 0.000085%; no homozygotes.

Submission:

Labcorp Genetics (formerly Invitae), Labcorp
Classification: Uncertain significance for Autosomal recessive limb-girdle muscular dystrophy type 2W. Last evaluated: 2024-04-05. Review status: criteria provided, single submitter. Criteria: Invitae Variant Classification Sherloc (09022015). Collection method: clinical testing. Allele origin: germline.
Comment: This sequence change replaces phenylalanine, which is neutral and non-polar, with leucine, which is neutral and non-polar, at codon 104 of the LIMS2 protein (p.Phe104Leu). This variant is not present in population databases (gnomAD no frequency). This variant has not been reported in the literature in individuals affected with LIMS2-related conditions. ClinVar contains an entry for this variant (Variation ID: 1969603). Advanced modeling of protein sequence and biophysical properties (such as structural, functional, and spatial information, amino acid conservation, physicochemical variation, residue mobility, and thermodynamic stability) performed at Invitae indicates that this missense variant is not expected to disrupt LIMS2 protein function with a negative predictive value of 80%. In summary, the available evidence is currently insufficient to determine the role of this variant in disease. Therefore, it has been classified as a Variant of Uncertain Significance.

NM_001161403.3(LIMS2):c.246C>A (p.Phe82Leu)

Gene: LIMS2 (LIM zinc finger domain containing 2; minus strand). Cytogenetic location: 2q14.3.
Variant type: single nucleotide variant.
Coding change: c.246C>A on transcript NM_001161403.3 (MANE Select); coding-DNA position 246, C replaced by A.
Protein change: p.Phe82Leu; replaces phenylalanine 82 with leucine.
Molecular consequence: missense variant.
Genome position (GRCh38, 1-based): chr2:127,654,537, G>T on the plus strand (C>A on the coding strand, the complement: LIMS2 is on the minus strand). VCF-style: chr2-127654537-G-T. GRCh37 (hg19) VCF-style: chr2-128412111-G-T.
Other names: c.312C>A, p.Phe104Leu (NM_001136037.4); c.231C>A, p.Phe77Leu (NM_001161404.2); c.318C>A, p.Phe106Leu (NM_017980.5); short protein forms F104L, F106L, F77L, F82L.
Identifiers: ClinVar variation 1969603 (VCV001969603.5), dbSNP rs2468975402, ClinGen allele CA348431528.